The following is an entry in ClinVar:

NM_016734.3(PAX5):c.961C>A (p.Pro321Thr)

Gene: PAX5 (paired box 5; minus strand). Cytogenetic location: 9p13.2.
Variant type: single nucleotide variant.
Coding change: c.961C>A on transcript NM_016734.3 (MANE Select); coding-DNA position 961, C replaced by A.
Protein change: p.Pro321Thr; replaces proline 321 with threonine.
Molecular consequence: missense variant. On other transcripts: non-coding transcript variant (2), intron variant (6).
Genome position (GRCh38, 1-based): chr9:36,882,055, G>T on the plus strand (C>A on the coding strand, the complement: PAX5 is on the minus strand). VCF-style: chr9-36882055-G-T. GRCh37 (hg19) VCF-style: chr9-36882052-G-T.
Other names: c.961C>A, p.Pro321Thr (NM_001280548.2); c.832C>A, p.Pro278Thr (NM_001280553.2, NM_001280554.2); c.637C>A, p.Pro213Thr (NM_001280556.2); c.586+41300C>A (NM_001280551.2); c.713-35126C>A (NM_001280555.2); c.781-41419C>A (NM_001280550.2); c.781-35126C>A (NM_001280549.2); c.910+41300C>A (NM_001280552.2); and 1 more; short protein forms P213T, P278T, P321T.
Identifiers: ClinVar variation 3369174 (VCV003369174.1).

ClinVar aggregate classification (germline): Uncertain significance (1 of 4 stars; one submission).

gnomAD v4.1: 5 of 1,611,836 alleles (0.00031%); highest among the groups gnomAD compares: African/African-American, 0.0027%; no homozygotes.

Submission:

GeneDx
Classification: Uncertain significance. Last evaluated: 2024-02-13. Review status: criteria provided, single submitter. Criteria: GeneDx Variant Classification Process June 2021. Collection method: clinical testing. Allele origin: germline. Affected: yes.
Comment: Not observed at significant frequency in large population cohorts (gnomAD); In silico analysis supports that this missense variant has a deleterious effect on protein structure/function; Has not been previously published as pathogenic or benign to our knowledge